The following is an entry in ClinVar:

NM_001005373.4(LRSAM1):c.1537T>C (p.Ser513Pro)

Gene: LRSAM1 (leucine rich repeat and sterile alpha motif containing 1; plus strand). Cytogenetic location: 9q33.3.
Variant type: single nucleotide variant.
Coding change: c.1537T>C on transcript NM_001005373.4 (MANE Select); coding-DNA position 1537, T replaced by C.
Protein change: p.Ser513Pro; replaces serine 513 with proline.
Molecular consequence: missense variant. On other transcripts: non-coding transcript variant (2).
Genome position (GRCh38, 1-based): chr9:127,492,835, T>C. VCF-style: chr9-127492835-T-C. GRCh37 (hg19) VCF-style: chr9-130255114-T-C.
Other names: c.1537T>C, p.Ser513Pro (NM_001005374.4, NM_001384142.1, NM_001384143.1 and 1 more transcripts); c.1456T>C, p.Ser486Pro (NM_001190723.3); c.748T>C, p.Ser250Pro (NM_001384144.1); short protein forms S513P, S486P, S250P.
Identifiers: ClinVar variation 472792 (VCV000472792.8), dbSNP rs748161826, ClinGen allele CA5247045.

ClinVar aggregate classification (germline): Uncertain significance (1 of 4 stars; one submission).

Conditions:
Charcot-Marie-Tooth disease axonal type 2P. Also called: Charcot-Marie-Tooth Neuropathy Type 2G; CHARCOT-MARIE-TOOTH DISEASE, AXONAL, TYPE 2G; CMT 2G; CHARCOT-MARIE-TOOTH NEUROPATHY, TYPE 2P. Identifiers: Orphanet 300319, Orphanet 99941, MedGen C3280797, MONDO:0013753, OMIM 614436.

Allele frequency attached by ClinVar (database versions not stated): gnomAD exomes below 0.00001; ExAC 0.00001.
gnomAD v4.1: 1 of 1,613,882 alleles (0.000062%); no homozygotes.

Submission:

Labcorp Genetics (formerly Invitae), Labcorp
Classification: Uncertain significance for Charcot-Marie-Tooth disease axonal type 2P. Last evaluated: 2017-04-26. Review status: criteria provided, single submitter. Criteria: Invitae Variant Classification Sherloc (09022015). Collection method: clinical testing. Allele origin: germline.
Comment: In summary, this variant is a rare missense change that is not predicted to affect protein function. There is no indication that it causes disease, but the available evidence is currently insufficient to prove that conclusively. Therefore, it has been classified as a Variant of Uncertain Significance. Algorithms developed to predict the effect of missense changes on protein structure and function (SIFT, PolyPhen-2, Align-GVGD) all suggest that this variant is likely to be tolerated, but these predictions have not been confirmed by published functional studies. This variant is present in population databases (rs748161826, ExAC 0.002%) but has not been reported in the literature in individuals with a LRSAM1-related disease. This sequence change replaces serine with proline at codon 513 of the LRSAM1 protein (p.Ser513Pro). The serine residue is moderately conserved and there is a moderate physicochemical difference between serine and proline.